The following is an entry in ClinVar:

NM_004998.4(MYO1E):c.2345G>A (p.Arg782Gln)

Gene: MYO1E (myosin IE; minus strand). Cytogenetic location: 15q22.2.
Variant type: single nucleotide variant.
Coding change: c.2345G>A on transcript NM_004998.4 (MANE Select); coding-DNA position 2345, G replaced by A.
Protein change: p.Arg782Gln; replaces arginine 782 with glutamine.
Molecular consequence: missense variant.
Genome position (GRCh38, 1-based): chr15:59,172,032, C>T on the plus strand (G>A on the coding strand, the complement: MYO1E is on the minus strand). VCF-style: chr15-59172032-C-T. GRCh37 (hg19) VCF-style: chr15-59464231-C-T.
Other names: short protein forms R782Q.
Identifiers: ClinVar variation 2443183 (VCV002443183.3), dbSNP rs769800490, ClinGen allele CA7589278.

ClinVar aggregate classification (germline): Uncertain significance. Review status: criteria provided, single submitter (1 of 4 stars). 2 submissions from 2 submitters: Uncertain significance (1). 1 of the submissions does not count toward it. Last evaluated 2024-06-03.

Conditions:
Focal segmental glomerulosclerosis 6 (FSGS6). Identifiers: Orphanet 656, MedGen C3279905, MONDO:0013589, OMIM 614131.

Allele frequency attached by ClinVar (database versions not stated): gnomAD 0.00001; gnomAD exomes 0.00001; ExAC 0.00002; TOPMed 0.00002.
gnomAD v4.1: 20 of 1,613,916 alleles (0.0012%); highest among the groups gnomAD compares: East Asian, 0.0067%; no homozygotes.

Submissions (2):

Fulgent Genetics
Classification: Uncertain significance for Focal segmental glomerulosclerosis 6. Last evaluated: 2024-06-03. Review status: criteria provided, single submitter. Criteria: ACMG Guidelines, 2015. Collection method: clinical testing. Allele origin: germline.

Genetic Services Laboratory, University of Chicago
Classification: Uncertain significance. Last evaluated: 2022-07-14. Review status: no assertion criteria provided. Collection method: clinical testing. Allele origin: germline. Affected: no. Not counted in ClinVar's aggregate classification.
Comment: DNA sequence analysis of the MYO1E gene demonstrated a sequence change, c.2345G>A, in exon 22 that results in an amino acid change, p.Arg782Gln. This sequence change has been described in a cohort of individuals with neural tube defects (PMID: 30415495). This sequence change has been described in the gnomAD database with a frequency of 0.0016% in the overall population (dbSNP rs769800490). The p.Arg782Gln change affects a highly conserved amino acid residue located in a domain of the MYO1E protein that is known to be functional. The p.Arg782Gln substitution appears to be benign using several in-silico pathogenicity prediction tools (SIFT, PolyPhen2, Align GVGD, REVEL). Due to insufficient evidences and the lack of functional studies, the clinical significance of the p.Arg782Gln change remains unknown at this time.